The following is an entry in ClinVar:

NM_000271.5(NPC1):c.2428G>A (p.Val810Ile)

Gene: NPC1 (NPC intracellular cholesterol transporter 1; minus strand). Cytogenetic location: 18q11.2.
Variant type: single nucleotide variant.
Coding change: c.2428G>A on transcript NM_000271.5 (MANE Select); coding-DNA position 2428, G replaced by A.
Protein change: p.Val810Ile; replaces valine 810 with isoleucine.
Molecular consequence: missense variant.
Genome position (GRCh38, 1-based): chr18:23,541,154, C>T on the plus strand (G>A on the coding strand, the complement: NPC1 is on the minus strand). VCF-style: chr18-23541154-C-T. GRCh37 (hg19) VCF-style: chr18-21121118-C-T.
Other names: short protein forms V810I.
Identifiers: ClinVar variation 833897 (VCV000833897.13), dbSNP rs145362908, ClinGen allele CA8913106.

ClinVar aggregate classification (germline): Likely benign. Review status: criteria provided, multiple submitters, no conflicts (2 of 4 stars). 3 submissions from 3 submitters: Likely benign (2). 1 of the submissions does not count toward it. Last evaluated 2026-01-13.

Conditions:
NPC1-related disorder. Also called: NPC1-related condition.
Niemann-Pick disease, type C1. Also called: NIEMANN-PICK DISEASE, VARIANT TYPE C1; NEUROVISCERAL STORAGE DISEASE WITH VERTICAL SUPRANUCLEAR OPHTHALMOPLEGIA; NIEMANN-PICK DISEASE WITH CHOLESTEROL ESTERIFICATION BLOCK; NIEMANN-PICK DISEASE WITHOUT SPHINGOMYELINASE DEFICIENCY; NIEMANN-PICK DISEASE, CHRONIC NEURONOPATHIC FORM. Identifiers: Orphanet 646, MedGen C3179455, MONDO:0009757, OMIM 257220.

Allele frequency attached by ClinVar (database versions not stated): TOPMed 0.00004; 1000 Genomes Project 30x 0.00031.
gnomAD v4.1: 218 of 1,614,194 alleles (0.014%); highest among the groups gnomAD compares: South Asian, 0.19%; no homozygotes.

Submissions (3):

Labcorp Genetics (formerly Invitae), Labcorp
Classification: Likely benign for Niemann-Pick disease, type C1. Last evaluated: 2026-01-13. Review status: criteria provided, single submitter. Criteria: Invitae Variant Classification Sherloc (09022015). Collection method: clinical testing. Allele origin: germline.

Blueprint Genetics
Classification: Likely benign. Last evaluated: 2024-05-28. Review status: criteria provided, single submitter. Criteria: ACMG Guidelines, 2015. Collection method: clinical testing. Allele origin: germline.

PreventionGenetics, part of Exact Sciences
Classification: Likely benign for NPC1-related condition. Last evaluated: 2022-12-20. Review status: no assertion criteria provided. Collection method: clinical testing. Allele origin: germline. Not counted in ClinVar's aggregate classification.
Comment: This variant is classified as likely benign based on ACMG/AMP sequence variant interpretation guidelines (Richards et al. 2015 PMID: 25741868, with internal and published modifications).